The following is an entry in ClinVar:

ClinVar aggregate classification (germline): Likely benign. Review status: criteria provided, multiple submitters, no conflicts (2 of 4 stars). 2 submissions from 2 submitters: Likely benign (2). Last evaluated 2025-07-08.

Allele frequency attached by ClinVar (database versions not stated): gnomAD 0.00022 and 0.00024; TOPMed 0.00027; ESP Exome Variant Server 0.00031.
gnomAD v4.1: 452 of 1,614,152 alleles (0.028%); highest among the groups gnomAD compares: Non-Finnish European, 0.035%; no homozygotes.

Submissions (2):

Labcorp Genetics (formerly Invitae), Labcorp
Classification: Likely benign. Last evaluated: 2025-07-08. Review status: criteria provided, single submitter. Criteria: Invitae Variant Classification Sherloc (09022015). Collection method: clinical testing. Allele origin: germline.

CeGaT Center for Human Genetics Tuebingen
Classification: Likely benign. Last evaluated: 2024-12-01. Review status: criteria provided, single submitter. Criteria: CeGaT Center For Human Genetics Tuebingen Variant Classification Criteria Version 2. Collection method: clinical testing. Allele origin: germline. Affected: yes. Observed: 1 variant allele.
Comment: RNF213: BP4, BP7

NM_001256071.3(RNF213):c.11892C>T (p.Asp3964=)

Genes: RNF213 (ring finger protein 213; plus strand), RNF213-AS1 (RNF213 antisense RNA 1; minus strand). Cytogenetic location: 17q25.3.
Variant type: single nucleotide variant.
Coding change: c.11892C>T on transcript NM_001256071.3 (MANE Select); coding-DNA position 11892, C replaced by T.
Protein change: p.Asp3964=; no amino-acid change (aspartic acid 3964 retained).
Molecular consequence: synonymous variant.
Genome position (GRCh38, 1-based): chr17:80,367,768, C>T. VCF-style: chr17-80367768-C-T. GRCh37 (hg19) VCF-style: chr17-78341568-C-T.
Identifiers: ClinVar variation 732546 (VCV000732546.17), dbSNP rs146256408, ClinGen allele CA8822021.